The following is an entry in ClinVar:

ClinVar aggregate classification (germline): Uncertain significance. Review status: criteria provided, multiple submitters, no conflicts (2 of 4 stars). 2 submissions from 2 submitters: Uncertain significance (2). Last evaluated 2026-05-20.

Submissions (2):

GeneDx
Classification: Uncertain significance. Last evaluated: 2026-05-20. Review status: criteria provided, single submitter. Criteria: GeneDx Variant Classification Process June 2021. Collection method: clinical testing. Allele origin: germline.
Comment: Not observed at significant frequency in large population cohorts (gnomAD); In silico analysis suggests that this missense variant does not alter protein structure/function; Has not been previously published as pathogenic or benign to our knowledge

Labcorp Genetics (formerly Invitae), Labcorp
Classification: Uncertain significance. Last evaluated: 2026-01-16. Review status: criteria provided, single submitter. Criteria: Invitae Variant Classification Sherloc (09022015). Collection method: clinical testing. Allele origin: germline.
Comment: This sequence change replaces aspartic acid, which is acidic and polar, with alanine, which is neutral and non-polar, at codon 291 of the CACNA1G protein (p.Asp291Ala). This variant is not present in population databases (gnomAD no frequency). This variant has not been reported in the literature in individuals affected with CACNA1G-related conditions. ClinVar contains an entry for this variant (Variation ID: 4070779). Invitae Evidence Modeling of protein sequence and biophysical properties (such as structural, functional, and spatial information, amino acid conservation, physicochemical variation, residue mobility, and thermodynamic stability) indicates that this missense variant is not expected to disrupt CACNA1G protein function with a negative predictive value of 95%. In summary, the available evidence is currently insufficient to determine the role of this variant in disease. Therefore, it has been classified as a Variant of Uncertain Significance.

NM_018896.5(CACNA1G):c.872A>C (p.Asp291Ala)

Gene: CACNA1G (calcium voltage-gated channel subunit alpha1 G; plus strand). Cytogenetic location: 17q21.33.
Variant type: single nucleotide variant.
Coding change: c.872A>C on transcript NM_018896.5 (MANE Select); coding-DNA position 872, A replaced by C.
Protein change: p.Asp291Ala; replaces aspartic acid 291 with alanine.
Molecular consequence: missense variant. On other transcripts: non-coding transcript variant (5).
Genome position (GRCh38, 1-based): chr17:50,572,679, A>C. VCF-style: chr17-50572679-A-C. GRCh37 (hg19) VCF-style: chr17-48650040-A-C.
Other names: c.872A>C, p.Asp291Ala (NM_198382.3, NM_198383.3, NM_198384.3 and 24 more transcripts); short protein forms D291A.
Identifiers: ClinVar variation 4070779 (VCV004070779.3).